The following is an entry in ClinVar:

NM_152393.4(KLHL40):c.1250T>A (p.Val417Asp)

Gene: KLHL40 (kelch like family member 40; plus strand). Cytogenetic location: 3p22.1.
Variant type: single nucleotide variant.
Coding change: c.1250T>A on transcript NM_152393.4 (MANE Select); coding-DNA position 1250, T replaced by A.
Protein change: p.Val417Asp; replaces valine 417 with aspartic acid.
Molecular consequence: missense variant.
Genome position (GRCh38, 1-based): chr3:42,688,239, T>A. VCF-style: chr3-42688239-T-A. GRCh37 (hg19) VCF-style: chr3-42729731-T-A.
Other names: short protein forms V417D.
Identifiers: ClinVar variation 3377045 (VCV003377045.1).

ClinVar aggregate classification (germline): Likely pathogenic (1 of 4 stars; one submission).

Conditions:
Nemaline myopathy 8 (NEM8). Also called: Nemaline myopathy 8, autosomal recessive. Identifiers: Orphanet 171430, MedGen C3809209, MONDO:0014138, OMIM 615348.

Submission:

Victorian Clinical Genetics Services, Murdoch Childrens Research Institute
Classification: Likely pathogenic for Nemaline myopathy 8. Last evaluated: 2024-10-10. Review status: criteria provided, single submitter. Criteria: ACMG Guidelines, 2015. Collection method: clinical testing. Allele origin: germline. Inheritance: Autosomal recessive inheritance.
Comment: Based on the classification scheme VCGS_Germline_v1.3.5, this variant is classified as Likely pathogenic. Following criteria are met: 0102 - Loss of function is a known mechanism of disease in this gene and is associated with nemaline myopathy 8 (MIM#615348). (I) 0106 - This gene is associated with autosomal recessive disease. (I) 0200 - Variant is predicted to result in a missense amino acid change from valine to aspartic acid. (I) 0251 - This variant is heterozygous. (I) 0301 - Variant is absent from gnomAD (v2, v3 and v4). (SP) 0309 - An alternative amino acid change at the same position has been observed in gnomAD (v4: 1 heterozygote, 0 homozygotes). (I) 0501 - Missense variant consistently predicted to be damaging by multiple in silico tools or highly conserved with a major amino acid change. (SP) 0604 - Variant is not located in an established domain, motif, hotspot or informative constraint region. (I) 0705 - No comparable missense variants have previous evidence for pathogenicity. (I) 0807 - This variant has no previous evidence of pathogenicity. (I) 0905 - No published segregation evidence has been identified for this variant. (I) 1007 - No published functional evidence has been identified for this variant. (I) 1101 - Very strong and specific phenotype match for this couple's child (external laboratory report). (SP) Legend: (SP) - Supporting pathogenic, (I) - Information, (SB) - Supporting benign